The following is an entry in ClinVar:

ClinVar aggregate classification (germline): Benign/Likely benign. Review status: criteria provided, multiple submitters, no conflicts (2 of 4 stars). 3 submissions from 3 submitters: Benign (1); Likely benign (2). Last evaluated 2026-02-03.

Allele frequency attached by ClinVar (database versions not stated): gnomAD exomes 0.00030 and 0.00086; ExAC 0.00095; gnomAD 0.00318 and 0.00337; ESP Exome Variant Server 0.00331; 1000 Genomes Project 30x 0.00344; 1000 Genomes Project 0.00359; TOPMed 0.00360.
gnomAD v4.1: 927 of 1,613,366 alleles (0.057%); highest among the groups gnomAD compares: African/African-American, 1.1%; 9 homozygotes.

Submissions (3):

Labcorp Genetics (formerly Invitae), Labcorp
Classification: Benign. Last evaluated: 2026-02-03. Review status: criteria provided, single submitter. Criteria: Invitae Variant Classification Sherloc (09022015). Collection method: clinical testing. Allele origin: germline.

CeGaT Center for Human Genetics Tuebingen
Classification: Likely benign. Last evaluated: 2025-10-01. Review status: criteria provided, single submitter. Criteria: CeGaT Center For Human Genetics Tuebingen Variant Classification Criteria Version 2. Collection method: clinical testing. Allele origin: germline. Affected: yes. Observed: 1 variant allele.
Comment: TRIM8: BP4, BP7, BS1

Blueprint Genetics
Classification: Likely benign. Last evaluated: 2024-11-26. Review status: criteria provided, single submitter. Criteria: ACMG Guidelines, 2015. Collection method: clinical testing. Allele origin: germline.

NM_030912.3(TRIM8):c.45C>T (p.Cys15=)

Gene: TRIM8 (tripartite motif containing 8; plus strand). Cytogenetic location: 10q24.32.
Variant type: single nucleotide variant.
Coding change: c.45C>T on transcript NM_030912.3 (MANE Select); coding-DNA position 45, C replaced by T.
Protein change: p.Cys15=; no amino-acid change (cysteine 15 retained).
Molecular consequence: synonymous variant. On other transcripts: non-coding transcript variant (1).
Genome position (GRCh38, 1-based): chr10:102,644,662, C>T. VCF-style: chr10-102644662-C-T. GRCh37 (hg19) VCF-style: chr10-104404419-C-T.
Other names: c.45C>T, p.Cys15= (NM_001345950.1).
Identifiers: ClinVar variation 1627263 (VCV001627263.15), dbSNP rs143116569, ClinGen allele CA5668035.